The following is an entry in ClinVar:

NM_004006.3(DMD):c.3893G>T (p.Gly1298Val)

Gene: DMD (dystrophin; minus strand). Cytogenetic location: Xp21.1.
Variant type: single nucleotide variant.
Coding change: c.3893G>T on transcript NM_004006.3 (MANE Select); coding-DNA position 3893, G replaced by T.
Protein change: p.Gly1298Val; replaces glycine 1298 with valine.
Molecular consequence: missense variant.
Genome position (GRCh38, 1-based): chrX:32,441,208, C>A on the plus strand (G>T on the coding strand, the complement: DMD is on the minus strand). VCF-style: chrX-32441208-C-A. GRCh37 (hg19) VCF-style: chrX-32459325-C-A.
Other names: c.3869G>T, p.Gly1290Val (NM_000109.4); c.3881G>T, p.Gly1294Val (NM_004009.3); c.3524G>T, p.Gly1175Val (NM_004010.3); short protein forms G1175V, G1290V, G1294V, G1298V.
Identifiers: ClinVar variation 651442 (VCV000651442.9), dbSNP rs1603633536, ClinGen allele CA412670236.
Genomic context (GRCh38, chrX:32,441,208, plus strand): 5'-ATTATCATCATTTGGCTTAATTTACAACTTACATCTAGCACCTCAGAGATTTCCTCAGCT[C>A]CGCCAGGAATGTTTTCAGTGGTTTTAAGTTTAAATTCTACTTCATTTAGCCACTTGTTTG-3'
Protein context (NP_003997.2, residues 1288-1308): KLKTTENIPG[Gly1298Val]AEEISEVLDS

ClinVar aggregate classification (germline): Uncertain significance (1 of 4 stars; one submission).

Conditions:
Duchenne muscular dystrophy (DMD). Also called: MUSCULAR DYSTROPHY, PSEUDOHYPERTROPHIC PROGRESSIVE, DUCHENNE TYPE; Duchenne Muscular Dystrophy (DMD). Identifiers: Orphanet 98896, MedGen C0013264, MONDO:0010679, OMIM 310200.

Submission:

Labcorp Genetics (formerly Invitae), Labcorp
Classification: Uncertain significance for Duchenne muscular dystrophy. Last evaluated: 2022-03-19. Review status: criteria provided, single submitter. Criteria: Invitae Variant Classification Sherloc (09022015). Collection method: clinical testing. Allele origin: germline.
Comment: This sequence change replaces glycine, which is neutral and non-polar, with valine, which is neutral and non-polar, at codon 1298 of the DMD protein (p.Gly1298Val). This variant is not present in population databases (gnomAD no frequency). This variant has not been reported in the literature in individuals affected with DMD-related conditions. ClinVar contains an entry for this variant (Variation ID: 651442). Algorithms developed to predict the effect of missense changes on protein structure and function are either unavailable or do not agree on the potential impact of this missense change (SIFT: "Deleterious"; PolyPhen-2: "Possibly Damaging"; Align-GVGD: "Class C0"). In summary, the available evidence is currently insufficient to determine the role of this variant in disease. Therefore, it has been classified as a Variant of Uncertain Significance.